The following is an entry in ClinVar:

NM_001083962.2(TCF4):c.1879+216G>A

Gene: TCF4 (transcription factor 4; minus strand). Cytogenetic location: 18q21.2.
Variant type: single nucleotide variant.
Coding change: c.1879+216G>A on transcript NM_001083962.2 (MANE Select); 216 bases into the intron after coding-DNA position 1879, G replaced by A.
Molecular consequence: intron variant.
Genome position (GRCh38, 1-based): chr18:55,228,631, C>T on the plus strand (G>A on the coding strand, the complement: TCF4 is on the minus strand). VCF-style: chr18-55228631-C-T. GRCh37 (hg19) VCF-style: chr18-52895862-C-T.
Other names: c.2185+216G>A (NM_001243226.3); c.1792+216G>A (NM_001369584.1, NM_001369585.1, NM_001348220.1); c.1804+216G>A (NM_001369576.1, NM_001369577.1, NM_001369578.1 and 3 more transcripts); c.1795+216G>A (NM_001369582.1, NM_001369583.1, NM_001348219.2 and 1 more transcripts); c.1807+216G>A (NM_001243227.2, NM_001369575.1, NM_001348218.2 and 1 more transcripts); c.1810+216G>A (NM_001369586.1); c.1867+216G>A (NM_001369571.1, NM_001369572.1, NM_003199.3); c.1879+216G>A (NM_001369567.1, NM_001369568.1); and 14 more.
Identifiers: ClinVar variation 677005 (VCV000677005.2), dbSNP rs11152294, ClinGen allele CA300793437.

ClinVar aggregate classification (germline): Benign. Review status: criteria provided, multiple submitters, no conflicts (2 of 4 stars). 2 submissions from 2 submitters: Benign (2). Last evaluated 2018-06-14.

Allele frequency attached by ClinVar (database versions not stated): gnomAD 0.04445; TOPMed 0.04856; 1000 Genomes Project 0.04932; 1000 Genomes Project 30x 0.05294.
gnomAD v4.1: 6,884 of 152,166 alleles (4.5%); highest among the groups gnomAD compares: African/African-American, 16%; 502 homozygotes.

Submissions (2):

GeneDx
Classification: Benign. Last evaluated: 2018-06-14. Review status: criteria provided, single submitter. Criteria: GeneDx Variant Classification (06012015). Collection method: clinical testing. Allele origin: germline. Affected: yes.
Comment: This variant is considered likely benign or benign based on one or more of the following criteria: it is a conservative change, it occurs at a poorly conserved position in the protein, it is predicted to be benign by multiple in silico algorithms, and/or has population frequency not consistent with disease.

Breakthrough Genomics
Classification: Benign. Review status: criteria provided, single submitter. Criteria: ACMG Guidelines, 2015. Collection method: not provided. Allele origin: germline. Inheritance: Autosomal dominant inheritance. Affected: yes.